The following is an entry in ClinVar:

ClinVar aggregate classification (germline): Pathogenic (1 of 4 stars; one submission).

Submission:

Labcorp Genetics (formerly Invitae), Labcorp
Classification: Pathogenic. Last evaluated: 2026-01-16. Review status: criteria provided, single submitter. Criteria: Invitae Variant Classification Sherloc (09022015). Collection method: clinical testing. Allele origin: germline.
Comment: This sequence change is expected to alter the c-terminus of the CDT1 protein (p.Glu504Serfs*84). While this is not anticipated to result in nonsense mediated decay, it is expected to disrupt the last 43 amino acid(s) of the CDT1 protein and extend the protein by 40 additional amino acid residues. This variant is not present in population databases (gnomAD no frequency). This variant has not been reported in the literature in individuals affected with CDT1-related conditions. This variant disrupts a region of the CDT1 protein in which other variant(s) (p.Tyr520*) have been determined to be pathogenic (PMID: 21358632). This suggests that this is a clinically significant region of the protein, and that variants that disrupt it are likely to be disease-causing. For these reasons, this variant has been classified as Pathogenic.

Literature cited by the submitters: PubMed 21358632.

NM_030928.4(CDT1):c.1505_1509dup (p.Glu504fs)

Gene: CDT1 (chromatin licensing and DNA replication factor 1; plus strand). Cytogenetic location: 16q24.3.
Variant type: Duplication.
Coding change: c.1505_1509dup on transcript NM_030928.4 (MANE Select); coding-DNA positions 1505 to 1509, 5 bases duplicated (TCTCC; older notation c.1505_1509dupTCTCC).
Protein change: p.Glu504fs; shifts the reading frame from glutamic acid 504.
Molecular consequence: frameshift variant.
Genome position (GRCh38, 1-based): chr16:88,808,142-88,808,146, TCTCC duplicated; duplicating any 5 consecutive bases within chr16:88,808,138-88,808,146 gives the same sequence; the c. name uses the placement nearest the transcript's 3' end. VCF-style (leftmost placement, unchanged base first): chr16-88808137-G-GCTCCT. GRCh37 (hg19) VCF-style: chr16-88874545-G-GCTCCT.
Other names: short protein forms E504fs.
Identifiers: ClinVar variation 4727080 (VCV004727080.1).